The following is an entry in ClinVar:

NM_000059.4(BRCA2):c.4803T>C (p.Asp1601=)

Gene: BRCA2 (BRCA2 DNA repair associated; plus strand). Cytogenetic location: 13q13.1.
Variant type: single nucleotide variant.
Coding change: c.4803T>C on transcript NM_000059.4 (MANE Select); coding-DNA position 4803, T replaced by C.
Protein change: p.Asp1601=; no amino-acid change (aspartic acid 1601 retained).
Molecular consequence: synonymous variant.
Genome position (GRCh38, 1-based): chr13:32,339,158, T>C. VCF-style: chr13-32339158-T-C. GRCh37 (hg19) VCF-style: chr13-32913295-T-C.
Identifiers: ClinVar variation 491284 (VCV000491284.21), dbSNP rs772234613, ClinGen allele CA6940816.

ClinVar aggregate classification (germline): Likely benign. Review status: criteria provided, multiple submitters, no conflicts (2 of 4 stars). 6 submissions from 6 submitters: Likely benign (6). Last evaluated 2025-12-18.

Conditions:
Hereditary breast ovarian cancer syndrome. Also called: Hereditary breast and/or ovarian cancer syndrome; BRCA1- and BRCA2-Associated Hereditary Breast and Ovarian Cancer; Breast and ovarian cancer; Hereditary breast and ovarian cancer; Hereditary breast and ovarian cancer syndrome; Hereditary breast and ovarian cancer syndrome (HBOC). Identifiers: Orphanet 145, MedGen C0677776, MeSH D061325, MONDO:0003582. Disease mechanism: loss of function.
BRCA2-related cancer predisposition. Identifiers: MedGen CN377758, MONDO:0700269.
Hereditary cancer-predisposing syndrome. Also called: Hereditary neoplastic syndrome; Tumor predisposition; Hereditary Cancer Syndrome; Neoplastic Syndromes, Hereditary. Identifiers: Orphanet 140162, MedGen C0027672, MeSH D009386, MONDO:0015356.

Allele frequency attached by ClinVar (database versions not stated): gnomAD exomes below 0.00001 and 0.00001; ExAC 0.00002.
gnomAD v4.1: 2 of 1,613,988 alleles (0.00012%); highest among the groups gnomAD compares: East Asian, 0.0045%; no homozygotes.

Submissions (6):

Labcorp Genetics (formerly Invitae), Labcorp
Classification: Likely benign for Hereditary breast ovarian cancer syndrome. Last evaluated: 2025-12-18. Review status: criteria provided, single submitter. Criteria: Invitae Variant Classification Sherloc (09022015). Collection method: clinical testing. Allele origin: germline.

All of Us Research Program, National Institutes of Health
Classification: Likely benign for BRCA2-related cancer predisposition. Last evaluated: 2024-04-16. Review status: criteria provided, single submitter. Criteria: ACMG Guidelines, 2015. Collection method: clinical testing. Allele origin: germline. Inheritance: Autosomal dominant inheritance. Observed: 2 variant alleles, 2 heterozygotes.
Comment: This study involves interpretation of variants in research participants for the purpose of population health screening. Participant phenotype was not available at the time of variant classification. Additional details can be found in publication PMID: 35346344, PMCID: PMC8962531

Quest Diagnostics Nichols Institute San Juan Capistrano
Classification: Likely benign. Last evaluated: 2019-12-14. Review status: criteria provided, single submitter. Criteria: Quest Diagnostics criteria. Collection method: clinical testing. Allele origin: unknown.

Women's Health and Genetics/Laboratory Corporation of America, LabCorp
Classification: Likely benign. Last evaluated: 2019-07-17. Review status: criteria provided, single submitter. Criteria: LabCorp Variant Classification Summary - May 2015. Collection method: clinical testing. Allele origin: germline.

Ambry Genetics
Classification: Likely benign for Hereditary cancer-predisposing syndrome. Last evaluated: 2018-01-22. Review status: criteria provided, single submitter. Criteria: Ambry Variant Classification Scheme 2023. Collection method: clinical testing. Allele origin: germline.

Color Diagnostics, LLC DBA Color Health
Classification: Likely benign for Hereditary cancer-predisposing syndrome. Last evaluated: 2016-06-20. Review status: criteria provided, single submitter. Criteria: ACMG Guidelines, 2015. Collection method: clinical testing. Allele origin: germline.